The following is an entry in ClinVar:

NM_001267550.2(TTN):c.38336T>C (p.Val12779Ala)

Gene: TTN (titin; minus strand). Cytogenetic location: 2q31.2.
Variant type: single nucleotide variant.
Coding change: c.38336T>C on transcript NM_001267550.2 (MANE Select); coding-DNA position 38336, T replaced by C.
Protein change: p.Val12779Ala; replaces valine 12779 with alanine.
Molecular consequence: missense variant. On other transcripts: intron variant (5).
Genome position (GRCh38, 1-based): chr2:178,654,252, A>G on the plus strand (T>C on the coding strand, the complement: TTN is on the minus strand). VCF-style: chr2-178654252-A-G. GRCh37 (hg19) VCF-style: chr2-179518979-A-G.
Other names: c.38336T>C (LRG_391t1); c.13283-11935T>C (NM_003319.4); c.13859-11935T>C (NM_133437.4); c.13658-11935T>C (NM_133432.3); c.31742-1711T>C (NM_133378.4); c.34523-1711T>C (NM_001256850.1); short protein forms V12779A.
Identifiers: ClinVar variation 220852 (VCV000220852.56), dbSNP rs2099130, ClinGen allele CA350743.

ClinVar aggregate classification (germline): Benign/Likely benign. Review status: criteria provided, multiple submitters, no conflicts (2 of 4 stars). 4 submissions from 4 submitters: Benign (2); Likely benign (2). Last evaluated 2026-08-01.

Conditions:
Autosomal recessive limb-girdle muscular dystrophy type 2J (LGMDR10). Also called: Limb-girdle muscular dystrophy, type 2J; MUSCULAR DYSTROPHY, LIMB-GIRDLE, AUTOSOMAL RECESSIVE 10. Identifiers: Orphanet 140922, MedGen C1837342, MONDO:0012127, OMIM 608807.
Dilated cardiomyopathy 1G (CMD1G). Identifiers: Orphanet 154, MedGen C1858763, MONDO:0011400, OMIM 604145.

Allele frequency attached by ClinVar (database versions not stated): gnomAD exomes 0.00077 and 0.00145; ExAC 0.00204; gnomAD 0.00284 and 0.00286; 1000 Genomes Project 30x 0.00640.
gnomAD v4.1: 1,568 of 1,598,794 alleles (0.098%); highest among the groups gnomAD compares: East Asian, 0.74%; 78 homozygotes.

Submissions (4):

CeGaT Center for Human Genetics Tuebingen
Classification: Likely benign. Last evaluated: 2026-08-01. Review status: criteria provided, single submitter. Criteria: CeGaT Center For Human Genetics Tuebingen Variant Classification Criteria Version 2. Collection method: clinical testing. Allele origin: germline. Affected: yes. Observed: 26 variant alleles.
Comment: TTN: BS2

Labcorp Genetics (formerly Invitae), Labcorp
Classification: Benign for Dilated cardiomyopathy 1G; Autosomal recessive limb-girdle muscular dystrophy type 2J. Last evaluated: 2026-01-05. Review status: criteria provided, single submitter. Criteria: Invitae Variant Classification Sherloc (09022015). Collection method: clinical testing. Allele origin: germline.

Molecular Diagnostic Laboratory for Inherited Cardiovascular Disease, Montreal Heart Institute
Classification: Likely benign. Last evaluated: 2025-04-09. Review status: criteria provided, single submitter. Criteria: ACMG Guidelines, 2015. Collection method: clinical testing. Allele origin: germline. Affected: no.

Athena Diagnostics
Classification: Benign. Last evaluated: 2024-10-25. Review status: criteria provided, single submitter. Criteria: Athena Diagnostics Criteria. Collection method: clinical testing. Allele origin: unknown.